The following is an entry in ClinVar:

NM_006009.4(TUBA1A):c.509C>G (p.Ser170Cys)

Gene: TUBA1A (tubulin alpha 1a; minus strand). Cytogenetic location: 12q13.12.
Variant type: single nucleotide variant.
Coding change: c.509C>G on transcript NM_006009.4 (MANE Select); coding-DNA position 509, C replaced by G.
Protein change: p.Ser170Cys; replaces serine 170 with cysteine.
Molecular consequence: missense variant.
Genome position (GRCh38, 1-based): chr12:49,185,857, G>C on the plus strand (C>G on the coding strand, the complement: TUBA1A is on the minus strand). VCF-style: chr12-49185857-G-C. GRCh37 (hg19) VCF-style: chr12-49579640-G-C.
Other names: c.509C>G, p.Ser170Cys (NM_001270399.2); c.404C>G, p.Ser135Cys (NM_001270400.2); short protein forms S135C, S170C.
Identifiers: ClinVar variation 3237530 (VCV003237530.2), dbSNP rs2498861047.

ClinVar aggregate classification (germline): Conflicting classifications of pathogenicity. Review status: criteria provided, conflicting classifications (1 of 4 stars). 2 submissions from 2 submitters: Likely pathogenic (1); Uncertain significance (1). Last evaluated 2025-03-18.

Conditions:
Lissencephaly due to TUBA1A mutation (CDCBM16). Also called: Lissencephaly 3; CORTICAL DYSPLASIA, COMPLEX, WITH OTHER BRAIN MALFORMATIONS 16. Identifiers: Orphanet 171680, MedGen C4305153, MONDO:0012703, OMIM 611603.

Submissions (2):

3billion
Classification: Uncertain significance for Lissencephaly due to TUBA1A mutation. Last evaluated: 2025-03-18. Review status: criteria provided, single submitter. Criteria: ACMG Guidelines, 2015. Collection method: clinical testing. Allele origin: germline. Affected: yes.
Comment: The variant is not observed in the gnomAD v4.1.0 dataset. Predicted Consequence/Location: Missense changes are a common disease-causing mechanism. In silico tool predictions suggest damaging effect of the variant on gene or gene product [3Cnet: 0.99 (> 0.75, sensitivity 0.96 and precision 0.92)]. The same nucleotide change resulting in the same amino acid change has been previously reported to be associated with TUBA1A-related disorder (ClinVar ID: VCV003237530). However, the evidence of pathogenicity is insufficient at this time. Therefore, this variant is classified as VUS according to the recommendation of ACMG/AMP guideline.

Baylor Genetics
Classification: Likely pathogenic for Lissencephaly due to TUBA1A mutation. Last evaluated: 2023-12-01. Review status: criteria provided, single submitter. Criteria: ACMG Guidelines, 2015. Collection method: clinical testing. Allele origin: unknown.